The following is an entry in ClinVar:

NM_006904.7(PRKDC):c.3181A>G (p.Lys1061Glu)

Gene: PRKDC (protein kinase, DNA-activated, catalytic subunit; minus strand). Cytogenetic location: 8q11.21.
Variant type: single nucleotide variant.
Coding change: c.3181A>G on transcript NM_006904.7 (MANE Select); coding-DNA position 3181, A replaced by G.
Protein change: p.Lys1061Glu; replaces lysine 1061 with glutamic acid.
Molecular consequence: missense variant.
Genome position (GRCh38, 1-based): chr8:47,902,657, T>C on the plus strand (A>G on the coding strand, the complement: PRKDC is on the minus strand). VCF-style: chr8-47902657-T-C. GRCh37 (hg19) VCF-style: chr8-48815217-T-C.
Other names: c.3181A>G, p.Lys1061Glu (NM_001081640.2); short protein forms K1061E.
Identifiers: ClinVar variation 1728550 (VCV001728550.2), dbSNP rs1384400518, ClinGen allele CA371156806.

ClinVar aggregate classification (germline): Uncertain significance (1 of 4 stars; one submission).

Allele frequency attached by ClinVar (database versions not stated): gnomAD exomes 0.00001.
gnomAD v4.1: 3 of 1,613,834 alleles (0.00019%); highest among the groups gnomAD compares: African/African-American, 0.0013%; no homozygotes.

Submission:

Ambry Genetics
Classification: Uncertain significance. Last evaluated: 2021-08-13. Review status: criteria provided, single submitter. Criteria: Ambry Variant Classification Scheme 2023. Collection method: clinical testing. Allele origin: germline.
Comment: The p.K1061E variant (also known as c.3181A>G), located in coding exon 27 of the PRKDC gene, results from an A to G substitution at nucleotide position 3181. The lysine at codon 1061 is replaced by glutamic acid, an amino acid with similar properties. This amino acid position is conserved. In addition, this alteration is predicted to be deleterious by in silico analysis. Since supporting evidence is limited at this time, the clinical significance of this alteration remains unclear.